The following is an entry in ClinVar:

ClinVar aggregate classification (germline): Conflicting classifications of pathogenicity. Review status: criteria provided, conflicting classifications (1 of 4 stars). 2 submissions from 2 submitters: Uncertain significance (1); Likely benign (1). Last evaluated 2024-10-01.

Allele frequency attached by ClinVar (database versions not stated): 1000 Genomes Project 0.00060; 1000 Genomes Project 30x 0.00062; ExAC 0.00080; gnomAD 0.00088; TOPMed 0.00091; gnomAD exomes 0.00121; ESP Exome Variant Server 0.00154.
gnomAD v4.1: 1,880 of 1,613,122 alleles (0.12%); highest among the groups gnomAD compares: Non-Finnish European, 0.14%; 5 homozygotes.

Submissions (2):

CeGaT Center for Human Genetics Tuebingen
Classification: Likely benign. Last evaluated: 2024-10-01. Review status: criteria provided, single submitter. Criteria: CeGaT Center For Human Genetics Tuebingen Variant Classification Criteria Version 2. Collection method: clinical testing. Allele origin: germline. Affected: yes. Observed: 1 variant allele.
Comment: ATP10A: BP4, BS2

Ambry Genetics
Classification: Uncertain significance. Last evaluated: 2021-10-19. Review status: criteria provided, single submitter. Criteria: Ambry Variant Classification Scheme 2023. Collection method: clinical testing. Allele origin: germline.

NM_024490.4(ATP10A):c.4079C>T (p.Pro1360Leu)

Gene: ATP10A (ATPase phospholipid transporting 10A (putative); minus strand). Cytogenetic location: 15q12.
Variant type: single nucleotide variant.
Coding change: c.4079C>T on transcript NM_024490.4 (MANE Select); coding-DNA position 4079, C replaced by T.
Protein change: p.Pro1360Leu; replaces proline 1360 with leucine.
Molecular consequence: missense variant.
Genome position (GRCh38, 1-based): chr15:25,679,762, G>A on the plus strand (C>T on the coding strand, the complement: ATP10A is on the minus strand). VCF-style: chr15-25679762-G-A. GRCh37 (hg19) VCF-style: chr15-25924909-G-A.
Other names: short protein forms P1360L.
Identifiers: ClinVar variation 2214694 (VCV002214694.16), dbSNP rs113319791, ClinGen allele CA7435885.
Genomic context (GRCh38, chr15:25,679,762, plus strand): 5'-CTCACTGGCATGCTCATGTCCACTGTGCTGGGCTCCCCGCTGGCCTCCAGGGAGCAGACC[G>A]GCTGCTGTGTGTGCCAAGAAGGCTGGGACAGGGGCACAGAGGTCTTGACTGTCCTCCCTG-3'
Protein context (NP_077816.1, residues 1350-1370): LSQPSWHTQQ[Pro1360Leu]VCSLEASGEP